The following is an entry in ClinVar:

ClinVar aggregate classification (germline): Conflicting classifications of pathogenicity. Review status: criteria provided, conflicting classifications (1 of 4 stars). 3 submissions from 3 submitters: Uncertain significance (2); Likely benign (1). Last evaluated 2025-10-16.

Conditions:
Familial thoracic aortic aneurysm and aortic dissection (TAAD). Also called: Thoracic aortic aneurysms and dissections. Identifiers: Orphanet 91387, MedGen C4707243, MONDO:0019625.
Aortic aneurysm, familial thoracic 4 (AAT4). Also called: AORTIC ANEURYSM/AORTIC DISSECTION AND PATENT DUCTUS ARTERIOSUS. Identifiers: MedGen C1851504, MONDO:0007568, OMIM 132900.

Allele frequency attached by ClinVar (database versions not stated): gnomAD exomes below 0.00001; TOPMed 0.00001.
gnomAD v4.1: 1 of 1,613,024 alleles (0.000062%); highest among the groups gnomAD compares: Admixed American, 0.0017%; no homozygotes.

Submissions (3):

Mayo Clinic Laboratories, Mayo Clinic
Classification: Uncertain significance. Last evaluated: 2025-10-16. Review status: criteria provided, single submitter. Criteria: ACMG Guidelines, 2015. Collection method: clinical testing. Allele origin: germline. Observed: 1 variant allele.
Comment: BP4_moderate

Color Diagnostics, LLC DBA Color Health
Classification: Likely benign for Familial thoracic aortic aneurysm and aortic dissection. Last evaluated: 2024-12-10. Review status: criteria provided, single submitter. Criteria: ACMG Guidelines, 2015. Collection method: clinical testing. Allele origin: germline.

Labcorp Genetics (formerly Invitae), Labcorp
Classification: Uncertain significance for Aortic aneurysm, familial thoracic 4. Last evaluated: 2021-09-01. Review status: criteria provided, single submitter. Criteria: Invitae Variant Classification Sherloc (09022015). Collection method: clinical testing. Allele origin: germline.
Comment: This sequence change replaces valine with leucine at codon 1268 of the MYH11 protein (p.Val1268Leu). The valine residue is weakly conserved and there is a small physicochemical difference between valine and leucine. This variant is not present in population databases (ExAC no frequency). This variant has not been reported in the literature in individuals affected with MYH11-related conditions. Algorithms developed to predict the effect of missense changes on protein structure and function output the following: SIFT: "Tolerated"; PolyPhen-2: "Benign"; Align-GVGD: "Class C0". The leucine amino acid residue is found in multiple mammalian species, which suggests that this missense change does not adversely affect protein function. In summary, the available evidence is currently insufficient to determine the role of this variant in disease. Therefore, it has been classified as a Variant of Uncertain Significance.

NM_002474.3(MYH11):c.3781G>C (p.Val1261Leu)

Gene: MYH11 (myosin heavy chain 11; minus strand). Cytogenetic location: 16p13.11.
Variant type: single nucleotide variant.
Coding change: c.3781G>C on transcript NM_002474.3 (MANE Select); coding-DNA position 3781, G replaced by C.
Protein change: p.Val1261Leu; replaces valine 1261 with leucine.
Molecular consequence: missense variant.
Genome position (GRCh38, 1-based): chr16:15,726,925, C>G on the plus strand (G>C on the coding strand, the complement: MYH11 is on the minus strand). VCF-style: chr16-15726925-C-G. GRCh37 (hg19) VCF-style: chr16-15820782-C-G.
Other names: p.Val1268Leu; c.3802G>C, p.Val1268Leu (NM_001040113.2, NM_001040114.2); c.3781G>C, p.Val1261Leu (NM_022844.3); short protein forms V1261L, V1268L.
Identifiers: ClinVar variation 959571 (VCV000959571.9), dbSNP rs1057518389, ClinGen allele CA394860077.
Genomic context (GRCh38, chr16:15,726,925, plus strand): 5'-TGTCATTGAGCTCCGCCCGGGCCCGCTCCCCATCGCTGCACTTGGACTGCAGCTCCTGCA[C>G]CTGCGCCTCCAGCTTCTTCTTCTTATGTTCCACCTCCTGCTTGGCCTGGCCCAGGACCCG-3'
Protein context (NP_002465.1, residues 1251-1271): EHKKKKLEAQ[Val1261Leu]QELQSKCSDG